The following is an entry in ClinVar:

ClinVar aggregate classification (germline): Uncertain significance (1 of 4 stars; one submission).

Submission:

Labcorp Genetics (formerly Invitae), Labcorp
Classification: Uncertain significance. Last evaluated: 2022-06-23. Review status: criteria provided, single submitter. Criteria: Invitae Variant Classification Sherloc (09022015). Collection method: clinical testing. Allele origin: germline.
Comment: This sequence change disrupts the translational stop signal of the PDE6B mRNA. It is expected to extend the length of the PDE6B protein by 30 additional amino acid residues. This variant is not present in population databases (gnomAD no frequency). This protein extension has been observed in individuals with clinical features of autosomal recessive retinitis pigmentosa (Invitae). This variant results in an extension of the PDE6B protein. Other variant(s) that result in a similarly extended protein product (p.*855Trpext*30) have been observed in individuals with PDE6B-related disease (PMID: 30998820). This suggests that these extensions may be clinically significant. In summary, the available evidence is currently insufficient to determine the role of this variant in disease. Therefore, it has been classified as a Variant of Uncertain Significance.

Literature cited by the submitters: PubMed 30998820.

NM_000283.4(PDE6B):c.2563T>A (p.Ter855Arg)

Gene: PDE6B (phosphodiesterase 6B; plus strand). Cytogenetic location: 4p16.3.
Variant type: single nucleotide variant.
Coding change: c.2563T>A on transcript NM_000283.4 (MANE Select); coding-DNA position 2563, T replaced by A.
Protein change: p.Ter855Arg.
Molecular consequence: stop lost. On other transcripts: missense variant (2).
Genome position (GRCh38, 1-based): chr4:670,105, T>A. VCF-style: chr4-670105-T-A. GRCh37 (hg19) VCF-style: chr4-663894-T-A.
Other names: c.2560T>A, p.Ter854Arg (NM_001145291.2); c.1726T>A, p.Ter576Arg (NM_001145292.2, NM_001379246.1, NM_001379247.1); c.1661T>A, p.Val554Glu (NM_001350154.3); c.1343T>A, p.Val448Glu (NM_001350155.3); short protein forms V448E, V554E.
Identifiers: ClinVar variation 2009138 (VCV002009138.4), dbSNP rs1738347357, ClinGen allele CA355920844.